The following is an entry in ClinVar:

ClinVar aggregate classification (germline): Uncertain significance (1 of 4 stars; one submission).

Conditions:
Nemaline myopathy 2 (NEM2). Also called: Nemaline myopathy 2, autosomal recessive. Identifiers: MedGen C1850569, MONDO:0009725, OMIM 256030.

gnomAD v4.1: 8 of 1,613,560 alleles (0.0005%); highest among the groups gnomAD compares: Non-Finnish European, 0.00068%; no homozygotes.

Submission:

Labcorp Genetics (formerly Invitae), Labcorp
Classification: Uncertain significance for Nemaline myopathy 2. Last evaluated: 2025-01-23. Review status: criteria provided, single submitter. Criteria: Invitae Variant Classification Sherloc (09022015). Collection method: clinical testing. Allele origin: germline.
Comment: This sequence change replaces methionine, which is neutral and non-polar, with lysine, which is basic and polar, at codon 2232 of the NEB protein (p.Met2232Lys). This variant is not present in population databases (gnomAD no frequency). This variant has not been reported in the literature in individuals affected with NEB-related conditions. Experimental studies and prediction algorithms are not available or were not evaluated, and the functional significance of this variant is currently unknown. In summary, the available evidence is currently insufficient to determine the role of this variant in disease. Therefore, it has been classified as a Variant of Uncertain Significance.

NM_001164508.2(NEB):c.6695T>A (p.Met2232Lys)

Gene: NEB (nebulin; minus strand). Cytogenetic location: 2q23.3.
Variant type: single nucleotide variant.
Coding change: c.6695T>A on transcript NM_001164508.2 (MANE Select); coding-DNA position 6695, T replaced by A.
Protein change: p.Met2232Lys; replaces methionine 2232 with lysine.
Molecular consequence: missense variant.
Genome position (GRCh38, 1-based): chr2:151,655,824, A>T on the plus strand (T>A on the coding strand, the complement: NEB is on the minus strand). VCF-style: chr2-151655824-A-T. GRCh37 (hg19) VCF-style: chr2-152512338-A-T.
Other names: c.6695T>A, p.Met2232Lys (NM_001164507.2, NM_001271208.2, NM_004543.5); short protein forms M2232K.
Identifiers: ClinVar variation 3630681 (VCV003630681.2).